The following is an entry in ClinVar:

ClinVar aggregate classification (germline): Pathogenic/Likely pathogenic. Review status: no assertion criteria provided (0 of 4 stars). 2 submissions from 2 submitters: Pathogenic (1); Likely pathogenic (1). Last evaluated 2018-09-16.

Conditions:
Nephronophthisis 12 (NPHP12). Identifiers: Orphanet 655, MedGen C3151186, MONDO:0013442, OMIM 613820.

Allele frequency attached by ClinVar (database versions not stated): gnomAD exomes below 0.00001.
gnomAD v4.1: 1 of 1,613,880 alleles (0.000062%); highest among the groups gnomAD compares: Non-Finnish European, 0.000085%; no homozygotes.

Submissions (2):

Gharavi Laboratory, Columbia University
Classification: Pathogenic. Last evaluated: 2018-09-16. Review status: no assertion criteria provided. Criteria: ACMG Guidelines, 2015. Collection method: research. Allele origin: germline. Affected: yes.

Genomics And Bioinformatics Analysis Resource, Columbia University
Classification: Likely pathogenic for Nephronophthisis 12. Review status: no assertion criteria provided. Collection method: research. Allele origin: unknown. Affected: yes.
Comment: Compound Heterozygous

NM_024753.5(TTC21B):c.1999C>T (p.Gln667Ter)

Gene: TTC21B (tetratricopeptide repeat domain 21B; minus strand). Cytogenetic location: 2q24.3.
Variant type: single nucleotide variant.
Coding change: c.1999C>T on transcript NM_024753.5 (MANE Select); coding-DNA position 1999, C replaced by T.
Protein change: p.Gln667Ter; replaces glutamine 667 with a stop codon.
Molecular consequence: nonsense.
Genome position (GRCh38, 1-based): chr2:165,915,340, G>A on the plus strand (C>T on the coding strand, the complement: TTC21B is on the minus strand). VCF-style: chr2-165915340-G-A. GRCh37 (hg19) VCF-style: chr2-166771850-G-A.
Other names: short protein forms Q667*.
Identifiers: ClinVar variation 562402 (VCV000562402.2), dbSNP rs1559056633, ClinGen allele CA349058844.
Genomic context (GRCh38, chr2:165,915,340, plus strand): 5'-AATAAGGCTGTTCGGCTGTAACATTCTGAAGGATGCTTAAAGCCCGTTCAATATCTCCTT[G>A]GGCTAGAGCAAGGTCTGCATTAGCAATGGTAACCCGCACTTCTTCAGATGTTCCAGAAAA-3'